The following is an entry in ClinVar:

NM_001276270.2(MBD4):c.465T>C (p.Tyr155=)

Gene: MBD4 (methyl-CpG binding domain 4, DNA glycosylase; minus strand). Cytogenetic location: 3q21.3.
Variant type: single nucleotide variant.
Coding change: c.465T>C on transcript NM_001276270.2 (MANE Select); coding-DNA position 465, T replaced by C.
Protein change: p.Tyr155=; no amino-acid change (tyrosine 155 retained).
Molecular consequence: synonymous variant. On other transcripts: intron variant (1).
Genome position (GRCh38, 1-based): chr3:129,437,179, A>G on the plus strand (T>C on the coding strand, the complement: MBD4 is on the minus strand). VCF-style: chr3-129437179-A-G. GRCh37 (hg19) VCF-style: chr3-129156022-A-G.
Other names: c.465T>C, p.Tyr155= (NM_001276271.2, NM_001276272.2, NM_003925.3); c.247+629T>C (NM_001276273.2).
Identifiers: ClinVar variation 3674984 (VCV003674984.4).

ClinVar aggregate classification (germline): Benign/Likely benign. Review status: criteria provided, multiple submitters, no conflicts (2 of 4 stars). 3 submissions from 3 submitters: Benign (1); Likely benign (2). Last evaluated 2026-06-11.

Conditions:
Tumor predisposition syndrome 2 (TPDS2). Also called: MBD4-ASSOCIATED NEOPLASIA SYNDROME; MBD4-Related Tumor Predisposition Syndrome; MBD4-associated neoplasia syndrome (MANS). Identifiers: Orphanet 661526, MedGen C5774186, MONDO:0859267, OMIM 619975.
Inborn genetic diseases. Identifiers: MedGen C0950123, MeSH D030342.

gnomAD v4.1: 32 of 1,614,104 alleles (0.002%); highest among the groups gnomAD compares: Non-Finnish European, 0.0025%; no homozygotes.

Submissions (3):

Myriad Genetics, Inc.
Classification: Benign for Tumor predisposition syndrome 2. Last evaluated: 2026-06-11. Review status: criteria provided, single submitter. Criteria: Myriad Autosomal Dominant, Autosomal Recessive and X-Linked Classification Criteria (2023). Collection method: clinical testing. Allele origin: unknown.
Comment: This variant is considered benign. This variant is a silent/synonymous amino acid change and it is not expected to impact splicing.

Labcorp Genetics (formerly Invitae), Labcorp
Classification: Likely benign. Last evaluated: 2025-12-08. Review status: criteria provided, single submitter. Criteria: Invitae Variant Classification Sherloc (09022015). Collection method: clinical testing. Allele origin: germline.

Ambry Genetics
Classification: Likely benign for Inborn genetic diseases. Last evaluated: 2025-01-18. Review status: criteria provided, single submitter. Criteria: Ambry Variant Classification Scheme 2023. Collection method: clinical testing. Allele origin: germline.